The following is an entry in ClinVar:

NM_032578.4(MYPN):c.740G>C (p.Gly247Ala)

Gene: MYPN (myopalladin; plus strand). Cytogenetic location: 10q21.3.
Variant type: single nucleotide variant.
Coding change: c.740G>C on transcript NM_032578.4 (MANE Select); coding-DNA position 740, G replaced by C.
Protein change: p.Gly247Ala; replaces glycine 247 with alanine.
Molecular consequence: missense variant. On other transcripts: 5 prime UTR variant (1), non-coding transcript variant (1).
Genome position (GRCh38, 1-based): chr10:68,122,178, G>C. VCF-style: chr10-68122178-G-C. GRCh37 (hg19) VCF-style: chr10-69881935-G-C.
Other names: c.740G>C, p.Gly247Ala (NM_001256267.2); c.-383G>C (NM_001256268.2); short protein forms G247A.
Identifiers: ClinVar variation 1504068 (VCV001504068.6), dbSNP rs1250584637, ClinGen allele CA377105018.
Genomic context (GRCh38, chr10:68,122,178, plus strand): 5'-CCCTGGAACAGCAGGAAGCCAAGAGGCGTGAAGCGGAGCAGGCTGCCAGTGAGGCGGCTG[G>C]TGGAGACACTACACCAGGGTCTTCCCCTTCATCTCTGTACTATGAAGAACCTCTGGGGCA-3'
Protein context (NP_115967.2, residues 237-257): EAEQAASEAA[Gly247Ala]GDTTPGSSPS

ClinVar aggregate classification (germline): Uncertain significance (1 of 4 stars; one submission).

Conditions:
Dilated cardiomyopathy 1KK (CMD1KK). Identifiers: Orphanet 154, Orphanet 75249, MedGen C3714995, MONDO:0014100, OMIM 615248.

gnomAD v4.1: 1 of 1,610,860 alleles (0.000062%); highest among the groups gnomAD compares: South Asian, 0.0011%; no homozygotes.

Submission:

Labcorp Genetics (formerly Invitae), Labcorp
Classification: Uncertain significance for Dilated cardiomyopathy 1KK. Last evaluated: 2022-02-11. Review status: criteria provided, single submitter. Criteria: Invitae Variant Classification Sherloc (09022015). Collection method: clinical testing. Allele origin: germline.
Comment: This variant is not present in population databases (gnomAD no frequency). This variant has not been reported in the literature in individuals affected with MYPN-related conditions. Algorithms developed to predict the effect of missense changes on protein structure and function output the following: SIFT: "Tolerated"; PolyPhen-2: "Benign"; Align-GVGD: "Class C0". The alanine amino acid residue is found in multiple mammalian species, which suggests that this missense change does not adversely affect protein function. In summary, the available evidence is currently insufficient to determine the role of this variant in disease. Therefore, it has been classified as a Variant of Uncertain Significance. This sequence change replaces glycine, which is neutral and non-polar, with alanine, which is neutral and non-polar, at codon 247 of the MYPN protein (p.Gly247Ala).